The following is an entry in ClinVar:

ClinVar aggregate classification (germline): Pathogenic (1 of 4 stars; one submission).

Conditions:
Cohen syndrome (COH1). Also called: Cutis verticis gyrata, retinitis pigmentosa, and sensorineural deafness; PEPPER SYNDROME. Identifiers: Orphanet 193, MedGen C0265223, MONDO:0008999, OMIM 216550.

Submission:

Labcorp Genetics (formerly Invitae), Labcorp
Classification: Pathogenic for Cohen syndrome. Last evaluated: 2021-11-07. Review status: criteria provided, single submitter. Criteria: Invitae Variant Classification Sherloc (09022015). Collection method: clinical testing. Allele origin: germline.
Comment: This variant is a gross deletion of the genomic region encompassing exon(s) 31-33 of the VPS13B gene. This deletion is out-of-frame, and is expected to create a premature termination codon and result in an absent or disrupted protein product. Loss-of-function variants in VPS13B are known to be pathogenic (PMID: 15141358, 16648375, 20461111). This variant has not been reported in the literature in individuals affected with VPS13B-related conditions. For these reasons, this variant has been classified as Pathogenic.

Literature cited by the submitters: PubMed 15141358; PubMed 16648375; PubMed 20461111.

NC_000008.10:g.(?_100568668)_(100589871_?)del

Gene: VPS13B (vacuolar protein sorting 13 homolog B; plus strand). Cytogenetic location: 8q22.2.
Variant type: Deletion.
Identifiers: ClinVar variation 1350794 (VCV001350794.3).